The following is an entry in ClinVar:

ClinVar aggregate classification (germline): Conflicting classifications of pathogenicity. Review status: criteria provided, conflicting classifications (1 of 4 stars). 10 submissions from 9 submitters: Uncertain significance (6); Benign (2); Likely benign (2). Last evaluated 2025-05-15.

Conditions:
Cardiovascular phenotype. Identifiers: MedGen CN230736.
KCNQ1-related disorder. Also called: KCNQ1-related condition; KCNQ1-related disorders. Identifiers: MedGen CN239322.
Cardiac arrhythmia. Also called: Arrhythmia; Cardiac rhythm disease. Identifiers: MedGen C0003811, MONDO:0007263, HP:0011675.
Long QT syndrome (LQTS). Identifiers: MedGen C0023976, MeSH D008133, MONDO:0002442. Disease mechanism: loss of function. Inheritance: Various modes of inheritance.
Jervell and Lange-Nielsen syndrome 1 (JLNS1). Also called: PROLONGED QT INTERVAL IN EKG AND SUDDEN DEATH; CARDIOAUDITORY SYNDROME OF JERVELL AND LANGE-NIELSEN; DEAFNESS, CONGENITAL, AND FUNCTIONAL HEART DISEASE; SURDO-CARDIAC SYNDROME. Identifiers: Orphanet 768, Orphanet 90647, MedGen C4551509, MONDO:0024540, OMIM 220400.
Short QT syndrome type 2. Identifiers: Orphanet 51083, MedGen C1865019, MONDO:0012313, OMIM 609621.

gnomAD v4.1: 304 of 1,564,530 alleles (0.019%); highest among the groups gnomAD compares: Non-Finnish European, 0.025%; no homozygotes.

Submissions (10):

GeneDx
Classification: Uncertain significance. Last evaluated: 2025-05-15. Review status: criteria provided, single submitter. Criteria: GeneDx Variant Classification Process June 2021. Collection method: clinical testing. Allele origin: germline. Affected: yes.
Comment: Reported in individuals with various clinical findings including LQTS, early-onset atrial fibrillation, sudden unexpected death in epilepsy, and sudden infant death syndrome (SIDS) (PMID: 19716085, 26704558, 34495297, 37589201); Nonsense variant predicted to result in protein truncation as the last 15 amino acids are lost, although loss-of-function variants have not been reported downstream of this position in the protein; This variant is associated with the following publications: (PMID: 26704558, 28775708, 34495297, 19716085, 37937776, 37589201)

Color Diagnostics, LLC DBA Color Health
Classification: Likely benign for Cardiac arrhythmia. Last evaluated: 2025-02-10. Review status: criteria provided, single submitter. Criteria: ACMG Guidelines, 2015. Collection method: clinical testing. Allele origin: germline.

PreventionGenetics, part of Exact Sciences
Classification: Uncertain significance for KCNQ1-related condition. Last evaluated: 2025-01-16. Review status: criteria provided, single submitter. Criteria: ACMG Guidelines, 2015. Collection method: clinical testing. Allele origin: germline.
Comment: The KCNQ1 c.1986C>G variant is predicted to result in premature protein termination (p.Tyr662*). This variant was reported in an individual with long QT syndrome (Table S1, Kapplinger et al. 2009. PubMed ID: 19716085), in a study of patients with atrial fibrillation (described as p.Tyr535X, eTable 12, Yoneda et al. 2021. PubMed ID: 34495297), in a study of patients with sudden infant death (Kotta et al. 2023. PubMed ID: 37589201) and in a study of actionable findings relative to life span (Table S26, Jensson et al. 2023. PubMed ID: 37937776). However, this variant occurs in the last exon and may escape nonsense mediated decay. This variant is reported in 0.013% of alleles in individuals of European (Non-Finnish) descent in gnomAD, including over 300 individuals in the larger gnomAD v4.1.0 database. At this time, the clinical significance of this variant is uncertain due to the absence of conclusive functional and genetic evidence.

Labcorp Genetics (formerly Invitae), Labcorp
Classification: Uncertain significance for Long QT syndrome. Last evaluated: 2024-12-17. Review status: criteria provided, single submitter. Criteria: Invitae Variant Classification Sherloc (09022015). Collection method: clinical testing. Allele origin: germline.
Comment: This sequence change creates a premature translational stop signal (p.Tyr662*) in the KCNQ1 gene. While this is not anticipated to result in nonsense mediated decay, it is expected to disrupt the last 15 amino acid(s) of the KCNQ1 protein. This variant is present in population databases (rs11601907, gnomAD 0.01%). This premature translational stop signal has been observed in individual(s) with clinical features of KCNQ1-related conditions (PMID: 19716085, 26704558, 34495297, 37589201). This variant is also known as c.1605C>G, p.Tyr535Ter. ClinVar contains an entry for this variant (Variation ID: 200864). This variant disrupts a region of the KCNQ1 protein in which other variant(s) (p.Asp673Gly) have been observed in individuals with KCNQ1-related conditions (PMID: 32383558). This suggests that this is a clinically significant region of the protein, and that variants that disrupt it are likely to be disease-causing. In summary, the available evidence is currently insufficient to determine the role of this variant in disease. Therefore, it has been classified as a Variant of Uncertain Significance.

Blueprint Genetics
Classification: Uncertain significance. Last evaluated: 2024-11-25. Review status: criteria provided, single submitter. Criteria: ACMG Guidelines, 2015. Collection method: clinical testing. Allele origin: germline.

All of Us Research Program, National Institutes of Health
Classification: Uncertain significance for Long QT syndrome. Last evaluated: 2024-01-08. Review status: criteria provided, single submitter. Criteria: ACMG Guidelines, 2015. Collection method: clinical testing. Allele origin: germline. Inheritance: Autosomal dominant inheritance. Observed: 21 variant alleles, 21 heterozygotes.
Comment: This variant changes 1 nucleotide in exon 16 of the KCNQ1 gene, creating a premature translation stop signal in the last coding exon. This variant is expected to escape nonsense-mediated decay and expressed as a truncated protein product missing the last 15 amino acids of the KCNQ1 protein. To our knowledge, functional studies have not been performed for this variant. This variant has been reported in an individual referred for long QT syndrome testing (PMID: 19716085), in an individual affected with epilepsy and sudden death (PMID: 26704558), and in an individual affected with sudden infant death (PMID: 37589201). This variant has also been identified in 12/209918 chromosomes in the general population by the Genome Aggregation Database (gnomAD). The available evidence is insufficient to determine the role of this variant in disease conclusively. Therefore, this variant is classified as a Variant of Uncertain Significance.

This study involves interpretation of variants in research participants for the purpose of population health screening. Participant phenotype was not available at the time of variant classification. Additional details can be found in publication PMID: 35346344, PMCID: PMC8962531

Ambry Genetics
Classification: Likely benign for Cardiovascular phenotype. Last evaluated: 2022-10-06. Review status: criteria provided, single submitter. Criteria: Ambry Variant Classification Scheme 2023. Collection method: clinical testing. Allele origin: germline.

Illumina Laboratory Services, Illumina
Classification: Benign for Jervell and Lange-Nielsen syndrome 1. Last evaluated: 2017-04-27. Review status: criteria provided, single submitter. Criteria: ICSL Variant Classification Criteria 13 December 2019. Collection method: clinical testing. Allele origin: germline.
Comment: This variant was observed as part of a predisposition screen in an ostensibly healthy population. A literature search was performed for the gene, cDNA change, and amino acid change (where applicable). No publications were found based on this search. Allele frequency data from public databases was too high to be consistent with this variant causing disease. Therefore, this variant is classified as benign.

Illumina Laboratory Services, Illumina
Classification: Benign for Short QT syndrome type 2. Last evaluated: 2017-04-27. Review status: criteria provided, single submitter. Criteria: ICSL Variant Classification Criteria 13 December 2019. Collection method: clinical testing. Allele origin: germline.
Comment: the same text as in the submission from Illumina Laboratory Services, Illumina above.

Laboratory for Molecular Medicine, Mass General Brigham Personalized Medicine
Classification: Uncertain significance. Last evaluated: 2017-01-24. Review status: criteria provided, single submitter. Criteria: LMM Criteria. Collection method: clinical testing. Allele origin: germline.
Comment: Variant identified in a genome or exome case(s) and assessed due to predicted null impact of the variant or pathogenic assertions in the literature or databases. Disclaimer: This variant has not undergone full assessment. The following are preliminary notes: This variant is in the last exon of KCNQ1. It has been reported in one individual with LQTS (Kapplinger 2009). The variant has a Max MAF of 0.02% in ExAC (3 alleles) and 0.01% in gnomAD (10 alleles). It is classified in ClinVar with 1 star as Pathogenic by GeneDx.

Literature cited by the submitters: PubMed 19716085 (cited by 3 submitters); PubMed 26704558 (cited by 3 submitters); PubMed 34495297 (cited by Labcorp Genetics (formerly Invitae), Labcorp); PubMed 37589201 (cited by Labcorp Genetics (formerly Invitae), Labcorp and All of Us Research Program, National Institutes of Health); PubMed 32383558 (cited by Labcorp Genetics (formerly Invitae), Labcorp).

NM_000218.3(KCNQ1):c.1986C>G (p.Tyr662Ter)

Genes: KCNQ1 (potassium voltage-gated channel subfamily Q member 1; plus strand), KCNQ1-AS1 (KCNQ1 antisense RNA 1; minus strand). Cytogenetic location: 11p15.4.
Variant type: single nucleotide variant.
Coding change: c.1986C>G on transcript NM_000218.3 (MANE Select); coding-DNA position 1986, C replaced by G.
Protein change: p.Tyr662Ter; replaces tyrosine 662 with a stop codon.
Molecular consequence: nonsense.
Genome position (GRCh38, 1-based): chr11:2,847,958, C>G. VCF-style: chr11-2847958-C-G. GRCh37 (hg19) VCF-style: chr11-2869188-C-G.
Other names: c.1890C>G, p.Tyr630Ter (NM_001406836.1); c.1716C>G, p.Tyr572Ter (NM_001406837.1); c.1446C>G, p.Tyr482Ter (NM_001406838.1); c.498C>G, p.Tyr166Ter (NM_001406839.1); c.1605C>G, p.Tyr535Ter (NM_181798.2); short protein forms Y535*, Y662*, Y630*, Y166*, Y482*, Y572*.
Identifiers: ClinVar variation 200864 (VCV000200864.33), dbSNP rs11601907, ClinGen allele CA006628.
Genomic context (GRCh38, chr11:2,847,958, plus strand): 5'-CGGCAGTGGCGGCTCCGTCGACCCTGAGCTCTTCCTGCCCAGCAACACCCTGCCCACCTA[C>G]GAGCAGCTGACCGTGCCCAGGAGGGGCCCCGATGAGGGGTCCTGAGGAGGGGATGGGGCT-3'